The following is an entry in ClinVar:

ClinVar aggregate classification (germline): Benign. Review status: criteria provided, multiple submitters, no conflicts (2 of 4 stars). 3 submissions from 3 submitters: Benign (2). 1 of the submissions does not count toward it. Last evaluated 2021-09-05.

Conditions:
NOVA2-related disorder. Also called: NOVA2-related condition.
Neurodevelopmental disorder with or without autistic features and/or structural brain abnormalities. Identifiers: MedGen C5394311, MONDO:0030024, OMIM 618859.

Allele frequency attached by ClinVar (database versions not stated): TOPMed 0.62745; gnomAD 0.63823 and 0.64331; 1000 Genomes Project 30x 0.66131; ESP Exome Variant Server 0.66441; gnomAD exomes 0.66866; 1000 Genomes Project 0.66953; ExAC 0.69935.
gnomAD v4.1: 962,699 of 1,473,314 alleles (65%); highest among the groups gnomAD compares: East Asian, 80%; 316,050 homozygotes.

Submissions (3):

Genome-Nilou Lab
Classification: Benign for Neurodevelopmental disorder with or without autistic features and/or structural brain abnormalities. Last evaluated: 2021-09-05. Review status: criteria provided, single submitter. Criteria: ACMG Guidelines, 2015. Collection method: clinical testing. Allele origin: germline. Affected: no.

Breakthrough Genomics
Classification: Benign. Review status: criteria provided, single submitter. Criteria: ACMG Guidelines, 2015. Collection method: not provided. Allele origin: germline. Inheritance: Autosomal dominant inheritance. Affected: yes.

PreventionGenetics, part of Exact Sciences
Classification: Benign for NOVA2-related condition. Last evaluated: 2021-11-04. Review status: no assertion criteria provided. Collection method: clinical testing. Allele origin: germline. Not counted in ClinVar's aggregate classification.
Comment: This variant is classified as benign based on ACMG/AMP sequence variant interpretation guidelines (Richards et al. 2015 PMID: 25741868, with internal and published modifications).

NM_002516.4(NOVA2):c.714G>T (p.Leu238=)

Gene: NOVA2 (NOVA alternative splicing regulator 2; minus strand). Cytogenetic location: 19q13.32.
Variant type: single nucleotide variant.
Coding change: c.714G>T on transcript NM_002516.4 (MANE Select); coding-DNA position 714, G replaced by T.
Protein change: p.Leu238=; no amino-acid change (leucine 238 retained).
Molecular consequence: synonymous variant.
Genome position (GRCh38, 1-based): chr19:45,940,628, C>A on the plus strand (G>T on the coding strand, the complement: NOVA2 is on the minus strand). VCF-style: chr19-45940628-C-A. GRCh37 (hg19) VCF-style: chr19-46443886-C-A.
Other names: c.714G>T (NM_002516.3).
Identifiers: ClinVar variation 1326995 (VCV001326995.5), dbSNP rs1047061, ClinGen allele CA9525388.